The following is an entry in ClinVar:

ClinVar aggregate classification (germline): Uncertain significance. Review status: criteria provided, multiple submitters, no conflicts (2 of 4 stars). 4 submissions from 4 submitters: Uncertain significance (4). Last evaluated 2025-12-30.

Conditions:
Hereditary cancer-predisposing syndrome. Also called: Tumor predisposition; Neoplastic Syndromes, Hereditary; Hereditary neoplastic syndrome; Hereditary Cancer Syndrome. Identifiers: Orphanet 140162, MedGen C0027672, MeSH D009386, MONDO:0015356.
Tumor predisposition syndrome 3 (TPDS3). Also called: Melanoma, cutaneous malignant, susceptibility to, 10; LONG TELOMERE SYNDROME, POT1-RELATED; POT1 Tumor Predisposition; Glioma susceptibility 9. Identifiers: Orphanet 618, MedGen C4014476, MONDO:0014368, OMIM 615848.

Allele frequency attached by ClinVar (database versions not stated): ExAC 0.00002; gnomAD exomes 0.00002; gnomAD 0.00003 and 0.00001; TOPMed 0.00001.
gnomAD v4.1: 20 of 1,590,840 alleles (0.0013%); highest among the groups gnomAD compares: South Asian, 0.015%; no homozygotes.

Submissions (4):

Labcorp Genetics (formerly Invitae), Labcorp
Classification: Uncertain significance for Tumor predisposition syndrome 3. Last evaluated: 2025-12-30. Review status: criteria provided, single submitter. Criteria: Invitae Variant Classification Sherloc (09022015). Collection method: clinical testing. Allele origin: germline.
Comment: This sequence change replaces leucine, which is neutral and non-polar, with valine, which is neutral and non-polar, at codon 538 of the POT1 protein (p.Leu538Val). This variant is present in population databases (rs768610116, gnomAD 0.02%). This variant has not been reported in the literature in individuals affected with POT1-related conditions. ClinVar contains an entry for this variant (Variation ID: 582694). Invitae Evidence Modeling of protein sequence and biophysical properties (such as structural, functional, and spatial information, amino acid conservation, physicochemical variation, residue mobility, and thermodynamic stability) indicates that this missense variant is not expected to disrupt POT1 protein function with a negative predictive value of 80%. In summary, the available evidence is currently insufficient to determine the role of this variant in disease. Therefore, it has been classified as a Variant of Uncertain Significance.

Ambry Genetics
Classification: Uncertain significance for Hereditary cancer-predisposing syndrome. Last evaluated: 2024-11-14. Review status: criteria provided, single submitter. Criteria: Ambry Variant Classification Scheme 2023. Collection method: clinical testing. Allele origin: germline.

GeneDx
Classification: Uncertain significance. Last evaluated: 2024-03-25. Review status: criteria provided, single submitter. Criteria: GeneDx Variant Classification Process June 2021. Collection method: clinical testing. Allele origin: germline. Affected: yes.
Comment: Not observed at significant frequency in large population cohorts (gnomAD); In silico analysis supports that this missense variant does not alter protein structure/function; Has not been previously published as pathogenic or benign to our knowledge; This variant is associated with the following publications: (PMID: 28393830)

Revvity Omics, Revvity
Classification: Uncertain significance. Last evaluated: 2022-01-11. Review status: criteria provided, single submitter. Criteria: ACMG Guidelines, 2015. Collection method: clinical testing. Allele origin: germline.

NM_015450.3(POT1):c.1612C>G (p.Leu538Val)

Gene: POT1 (protection of telomeres 1; minus strand). Cytogenetic location: 7q31.33.
Variant type: single nucleotide variant.
Coding change: c.1612C>G on transcript NM_015450.3 (MANE Select); coding-DNA position 1612, C replaced by G.
Protein change: p.Leu538Val; replaces leucine 538 with valine.
Molecular consequence: missense variant. On other transcripts: non-coding transcript variant (3).
Genome position (GRCh38, 1-based): chr7:124,827,288, G>C on the plus strand (C>G on the coding strand, the complement: POT1 is on the minus strand). VCF-style: chr7-124827288-G-C. GRCh37 (hg19) VCF-style: chr7-124467342-G-C.
Other names: c.1219C>G, p.Leu407Val (NM_001042594.2); short protein forms L538V, L407V.
Identifiers: ClinVar variation 582694 (VCV000582694.18), dbSNP rs768610116, ClinGen allele CA4465030.
Genomic context (GRCh38, chr7:124,827,288, plus strand): 5'-AGGCTTCTAGTACTCCTGTTCCATCATCAAGTGTAAAGGTCATAACAAACACATATTGGA[G>C]GGGTACAATACCCAGTGCTAGTGAAGGAAAAAAAGATCAAACCATATGAGTCTGCTATTC-3'
Protein context (NP_056265.2, residues 528-548): SVAEALGIVP[Leu538Val]QYVFVMTFTL